The following is an entry in ClinVar:

ClinVar aggregate classification (germline): Uncertain significance (1 of 4 stars; one submission).

Conditions:
Hereditary cancer-predisposing syndrome. Also called: Hereditary Cancer Syndrome; Hereditary neoplastic syndrome; Tumor predisposition; Neoplastic Syndromes, Hereditary. Identifiers: Orphanet 140162, MedGen C0027672, MeSH D009386, MONDO:0015356.

Submission:

Ambry Genetics
Classification: Uncertain significance for Hereditary cancer-predisposing syndrome. Last evaluated: 2022-04-04. Review status: criteria provided, single submitter. Criteria: Ambry Variant Classification Scheme 2023. Collection method: clinical testing. Allele origin: germline.
Comment: The p.V754F variant (also known as c.2260G>T), located in coding exon 13 of the PMS2 gene, results from a G to T substitution at nucleotide position 2260. The valine at codon 754 is replaced by phenylalanine, an amino acid with highly similar properties. This amino acid position is conserved. In addition, this alteration is predicted to be tolerated by in silico analysis. Since supporting evidence is limited at this time, the clinical significance of this alteration remains unclear.

NM_000535.7(PMS2):c.2260G>T (p.Val754Phe)

Gene: PMS2 (PMS1 homolog 2, mismatch repair system component; minus strand). Cytogenetic location: 7p22.1.
Variant type: single nucleotide variant.
Coding change: c.2260G>T on transcript NM_000535.7 (MANE Select); coding-DNA position 2260, G replaced by T.
Protein change: p.Val754Phe; replaces valine 754 with phenylalanine.
Molecular consequence: missense variant. On other transcripts: non-coding transcript variant (1).
Genome position (GRCh38, 1-based): chr7:5,978,611, C>A on the plus strand (G>T on the coding strand, the complement: PMS2 is on the minus strand). VCF-style: chr7-5978611-C-A. GRCh37 (hg19) VCF-style: chr7-6018242-C-A.
Other names: c.1855G>T, p.Val619Phe (NM_001018040.1, NM_001322003.2, NM_001322004.2 and 15 more transcripts); c.2104G>T, p.Val702Phe (NM_001322006.2, NM_001406870.1); c.1942G>T, p.Val648Phe (NM_001322007.2, NM_001322008.2, NM_001406876.1 and 1 more transcripts); c.1699G>T, p.Val567Phe (NM_001322010.2, NM_001406906.1, NM_001406907.1); c.1327G>T, p.Val443Phe (NM_001322011.2, NM_001322012.2); c.1687G>T, p.Val563Phe (NM_001322013.2, NM_001406908.1, NM_001406909.1); c.2260G>T, p.Val754Phe (NM_001322014.2); c.1951G>T, p.Val651Phe (NM_001322015.2, NM_001406875.1, NM_001406877.1 and 5 more transcripts); and 14 more; short protein forms V443F, V583F, V596F, V599F, V651F, V698F, V762F, V497F.
Identifiers: ClinVar variation 1788632 (VCV001788632.2), dbSNP rs876658822, ClinGen allele CA366736483.